The following is an entry in ClinVar:

NM_015978.3(TNNI3K):c.541C>G (p.Gln181Glu)

Genes: FPGT-TNNI3K (FPGT-TNNI3K readthrough; plus strand), TNNI3K (TNNI3 interacting kinase; plus strand). Cytogenetic location: 1p31.1.
Variant type: single nucleotide variant.
Coding change: c.541C>G on transcript NM_015978.3 (MANE Select); coding-DNA position 541, C replaced by G.
Protein change: p.Gln181Glu; replaces glutamine 181 with glutamic acid.
Molecular consequence: missense variant.
Genome position (GRCh38, 1-based): chr1:74,331,546, C>G. VCF-style: chr1-74331546-C-G. GRCh37 (hg19) VCF-style: chr1-74797230-C-G.
Other names: c.844C>G, p.Gln282Glu (NM_001112808.3, NM_001199327.2); short protein forms Q282E, Q181E.
Identifiers: ClinVar variation 1495879 (VCV001495879.8), dbSNP rs770392201, ClinGen allele CA340779750.

ClinVar aggregate classification (germline): Uncertain significance (1 of 4 stars; one submission).

Submission:

Labcorp Genetics (formerly Invitae), Labcorp
Classification: Uncertain significance. Last evaluated: 2022-06-27. Review status: criteria provided, single submitter. Criteria: Invitae Variant Classification Sherloc (09022015). Collection method: clinical testing. Allele origin: germline.
Comment: In summary, the available evidence is currently insufficient to determine the role of this variant in disease. Therefore, it has been classified as a Variant of Uncertain Significance. Algorithms developed to predict the effect of missense changes on protein structure and function are either unavailable or do not agree on the potential impact of this missense change (SIFT: "Deleterious"; PolyPhen-2: "Benign"; Align-GVGD: "Class C0"). This variant has not been reported in the literature in individuals affected with TNNI3K-related conditions. This variant is not present in population databases (gnomAD no frequency). This sequence change replaces glutamine, which is neutral and polar, with glutamic acid, which is acidic and polar, at codon 181 of the TNNI3K protein (p.Gln181Glu).